The following is an entry in ClinVar:

ClinVar aggregate classification (germline): Uncertain significance. Review status: criteria provided, multiple submitters, no conflicts (2 of 4 stars). 2 submissions from 2 submitters: Uncertain significance (2). Last evaluated 2025-04-09.

Submissions (2):

Labcorp Genetics (formerly Invitae), Labcorp
Classification: Uncertain significance. Last evaluated: 2025-04-09. Review status: criteria provided, single submitter. Criteria: Invitae Variant Classification Sherloc (09022015). Collection method: clinical testing. Allele origin: germline.
Comment: This sequence change replaces arginine, which is basic and polar, with histidine, which is basic and polar, at codon 72 of the FGF17 protein (p.Arg72His). This variant is present in population databases (rs554886438, gnomAD 0.01%). This variant has not been reported in the literature in individuals affected with FGF17-related conditions. An algorithm developed to predict the effect of missense changes on protein structure and function (PolyPhen-2) suggests that this variant is likely to be disruptive. In summary, the available evidence is currently insufficient to determine the role of this variant in disease. Therefore, it has been classified as a Variant of Uncertain Significance.

Ambry Genetics
Classification: Uncertain significance. Last evaluated: 2025-02-24. Review status: criteria provided, single submitter. Criteria: Ambry Variant Classification Scheme 2023. Collection method: clinical testing. Allele origin: germline.

NM_003867.4(FGF17):c.215G>A (p.Arg72His)

Gene: FGF17 (fibroblast growth factor 17; plus strand). Cytogenetic location: 8p21.3.
Variant type: single nucleotide variant.
Coding change: c.215G>A on transcript NM_003867.4 (MANE Select); coding-DNA position 215, G replaced by A.
Protein change: p.Arg72His; replaces arginine 72 with histidine.
Molecular consequence: missense variant.
Genome position (GRCh38, 1-based): chr8:22,046,256, G>A. VCF-style: chr8-22046256-G-A. GRCh37 (hg19) VCF-style: chr8-21903767-G-A.
Other names: c.182G>A, p.Arg61His (NM_001304478.1); short protein forms R61H, R72H.
Identifiers: ClinVar variation 3850106 (VCV003850106.2).